The following is an entry in ClinVar:

ClinVar aggregate classification (germline): Uncertain significance (1 of 4 stars; one submission).

Allele frequency attached by ClinVar (database versions not stated): gnomAD exomes below 0.00001; ExAC 0.00001; gnomAD 0.00001; 1000 Genomes Project 30x 0.00016; 1000 Genomes Project 0.00020.
gnomAD v4.1: 1 of 1,612,976 alleles (0.000062%); highest among the groups gnomAD compares: Admixed American, 0.0017%; no homozygotes.

Submission:

Labcorp Genetics (formerly Invitae), Labcorp
Classification: Uncertain significance. Last evaluated: 2021-07-21. Review status: criteria provided, single submitter. Criteria: Invitae Variant Classification Sherloc (09022015). Collection method: clinical testing. Allele origin: germline.
Comment: In summary, the available evidence is currently insufficient to determine the role of this variant in disease. Therefore, it has been classified as a Variant of Uncertain Significance. Algorithms developed to predict the effect of missense changes on protein structure and function are either unavailable or do not agree on the potential impact of this missense change (SIFT: "Deleterious"; PolyPhen-2: "Benign"; Align-GVGD: "Class C65"). This variant has not been reported in the literature in individuals with TNNI3K-related conditions. This variant is present in population databases (rs566581071, ExAC 0.009%). This sequence change replaces aspartic acid with glycine at codon 747 of the TNNI3K protein (p.Asp747Gly). The aspartic acid residue is highly conserved and there is a moderate physicochemical difference between aspartic acid and glycine.

NM_015978.3(TNNI3K):c.2240A>G (p.Asp747Gly)

Genes: FPGT-TNNI3K (FPGT-TNNI3K readthrough; plus strand), LRRC53 (leucine rich repeat containing 53; minus strand), TNNI3K (TNNI3 interacting kinase; plus strand). Cytogenetic location: 1p31.1.
Variant type: single nucleotide variant.
Coding change: c.2240A>G on transcript NM_015978.3 (MANE Select); coding-DNA position 2240, A replaced by G.
Protein change: p.Asp747Gly; replaces aspartic acid 747 with glycine.
Molecular consequence: missense variant. On other transcripts: intron variant (2).
Genome position (GRCh38, 1-based): chr1:74,492,155, A>G. VCF-style: chr1-74492155-A-G. GRCh37 (hg19) VCF-style: chr1-74957839-A-G.
Other names: c.2543A>G, p.Asp848Gly (NM_001112808.3); c.-8-11187T>C (NM_001364666.2); c.-26-8780T>C (NM_001382280.1); short protein forms D747G, D848G.
Identifiers: ClinVar variation 1398256 (VCV001398256.8), dbSNP rs566581071, ClinGen allele CA909825.